The following continues an entry in ClinVar:

NM_000256.3(MYBPC3):c.2873C>T (p.Thr958Ile)

Gene: MYBPC3. ClinVar aggregate classification (germline): Conflicting classifications of pathogenicity. Uncertain significance (9); Benign (1); Likely benign (5).

Submissions 13 to 16 of 16:

Biesecker Lab/Clinical Genomics Section, National Institutes of Health
Classification: Uncertain significance for Cardiomyopathy, hypertrophic. Last evaluated: 2018-04-05. Review status: criteria provided, single submitter. Criteria: ACMG Guidelines, 2015. Collection method: research. Allele origin: unknown. Affected: no. Observed: 1 variant allele.
Comment: The study set was not selected for affection status in relation to arrhythmia or cardiomyopathy. Pathogenicity categories were based on literature curation. See Pubmed ID:25741868 for details.

Medical sequencing

Laboratory for Molecular Medicine, Mass General Brigham Personalized Medicine
Classification: Uncertain significance. Last evaluated: 2016-07-20. Review status: criteria provided, single submitter. Criteria: LMM Criteria. Collection method: clinical testing. Allele origin: germline. Observed: 8 variant alleles.
Comment: Variant classified as Uncertain Significance - Favor Benign. The p.Thr958Ile var iant in MYBPC3 has been reported in 4 individuals with HCM, one of whom carried another pathogenic MYBPC3 variant (Kabaeva 2005, Ehlermann 2008, Adalsteinsdotti r 2014, Bos 2014). In addition, this variant has been identified by our laborato ry in 3 individuals with HCM, (including one infant whose unaffected parent also carried this variant, as well as one adult who also carried a pathogenic MYBPC3 variant (in cis)) and 1 individual with DCM. This variant has been identified i n 7/61564 European chromosomes by the Exome Aggregation Consortium (ExAC; dbSNP rs376504548). Threonine at position 958 is not conserved in evolution and 1 mammal (Bactrian camel) and multiple bird species h ave an isoleucine (Ile) at this position, suggesting that this change may be tol erated. In addition, this change was predicted to be benign using a computationa l tool clinically validated by our laboratory. This tool's benign prediction is estimated to be correct 89% of the time (Jordan 2011). In summary, while the cli nical significance of the p.Thr958Ile variant is uncertain, collectively these d ata suggest that it is more likely to be benign.

Stanford Center for Inherited Cardiovascular Disease, Stanford University
Classification: Uncertain significance. Last evaluated: 2013-04-09. Review status: criteria provided, single submitter. Criteria: ACMG Guidelines, 2015. Collection method: provider interpretation. Allele origin: germline.

CSER _CC_NCGL, University of Washington
Classification: Uncertain significance for Cardiomyopathy, hypertrophic. Last evaluated: 2014-06-01. Review status: no assertion criteria provided. Collection method: research. Allele origin: germline. Inheritance: Autosomal dominant inheritance. Study: ESP 6500 variant annotation. Not counted in ClinVar's aggregate classification.
Comment: Variants classified for the Actionable exomic incidental findings in 6503 participants: challenges of variant classification manuscript

Literature cited by the submitters: PubMed 15823648 (cited by 4 submitters); PubMed 18957093 (cited by 4 submitters); PubMed 24793961 (cited by 4 submitters); PubMed 25078086 (cited by 4 submitters); PubMed 27532257 (cited by 3 submitters); PubMed 28416588 (cited by Labcorp Genetics (formerly Invitae), Labcorp); PubMed 38456273 (cited by Labcorp Genetics (formerly Invitae), Labcorp); PubMed 33495597 (cited by All of Us Research Program, National Institutes of Health and Color Diagnostics, LLC DBA Color Health); PubMed 23299917 (cited by Laboratory for Molecular Medicine, Mass General Brigham Personalized Medicine); PubMed 23861362 (cited by Laboratory for Molecular Medicine, Mass General Brigham Personalized Medicine).